The following is an entry in ClinVar:

ClinVar aggregate classification (germline): Pathogenic (3 of 4 stars; one submission).

Conditions:
Juvenile retinoschisis (RS1). Also called: X-linked retinoschisis; X-Linked Juvenile Retinoschisis. Identifiers: Orphanet 792, MedGen C3714753, MONDO:0010725, OMIM 312700.

Submission:

ClinGen X-linked Inherited Retinal Disease Variant Curation Expert Panel, ClinGen
Classification: Pathogenic for Juvenile retinoschisis. Last evaluated: 2026-09-26. Review status: reviewed by expert panel. Criteria: ClinGen X LinkedIRD ACMG Specifications RS1 V1.0.0. Collection method: curation. Allele origin: germline. Inheritance: X-linked inheritance.
Comment: NM_000330.4(RS1):c.20del (p.Gly7AlafsTer?) is a frameshift variant caused by a one-nucleotide deletion, which introduces a premature stop codon in exon 1 of 6 and is predicted to trigger nonsense-mediated decay (PVS1). This variant is absent from hemizygous individuals in gnomAD v4.1.0 (PM2_Supporting). This variant has been reported in at least 2 apparently unrelated probands meeting one of the PS4 requirements of a male diagnosed with X-linked retinoschisis (PMIDs: 34828422, 34822951, PS4_Supporting). The variant has been reported to segregate through at least 2 meioses in one family (PP1_Moderate; PMID: 34828422). In summary, this variant is classified as pathogenic for X-linked retinoschisis based on the ClinGen X-linked Inherited Retinal Disease Expert Panel Specifications to the ACMG/AMP Variant Interpretation Guidelines for RS1 Version 1.0.0: PM2_Supporting, PVS1, PS4_Supporting, and PP1_Moderate.

NM_000330.4(RS1):c.20del (p.Gly7fs)

Gene: RS1 (retinoschisin 1; minus strand). Cytogenetic location: Xp22.13.
Variant type: Deletion.
Coding change: c.20del on transcript NM_000330.4 (MANE Select); coding-DNA position 20, one base deleted (G; older notation c.20delG).
Protein change: p.Gly7fs; shifts the reading frame from glycine 7.
Molecular consequence: frameshift variant.
Genome position (GRCh38, 1-based): chrX:18,672,049, C deleted on the plus strand (G on the coding strand, the reverse complement: RS1 is on the minus strand); the first of 2 consecutive C bases (chrX:18,672,049-18,672,050); deleting either gives the same sequence. VCF-style (leftmost placement, unchanged base first): chrX-18672048-GC-G. GRCh37 (hg19) VCF-style: chrX-18690168-GC-G.
Other names: NM_000330.4:c.20del; short protein forms G7fs.
Identifiers: ClinVar variation 4976889 (VCV004976889.1).